The following is an entry in ClinVar:

NM_002485.5(NBN):c.406G>A (p.Gly136Arg)

Gene: NBN (nibrin; minus strand). Cytogenetic location: 8q21.3.
Variant type: single nucleotide variant.
Coding change: c.406G>A on transcript NM_002485.5 (MANE Select); coding-DNA position 406, G replaced by A.
Protein change: p.Gly136Arg; replaces glycine 136 with arginine.
Molecular consequence: missense variant.
Genome position (GRCh38, 1-based): chr8:89,980,808, C>T on the plus strand (G>A on the coding strand, the complement: NBN is on the minus strand). VCF-style: chr8-89980808-C-T. GRCh37 (hg19) VCF-style: chr8-90993036-C-T.
Other names: c.160G>A, p.Gly54Arg (NM_001024688.3); short protein forms G136R, G54R.
Identifiers: ClinVar variation 461563 (VCV000461563.20), dbSNP rs1554567936, ClinGen allele CA371661869.

ClinVar aggregate classification (germline): Uncertain significance. Review status: criteria provided, multiple submitters, no conflicts (2 of 4 stars). 4 submissions from 4 submitters: Uncertain significance (4). Last evaluated 2024-06-07.

Conditions:
Hereditary cancer-predisposing syndrome. Also called: Hereditary neoplastic syndrome; Neoplastic Syndromes, Hereditary; Tumor predisposition; Hereditary Cancer Syndrome. Identifiers: Orphanet 140162, MedGen C0027672, MeSH D009386, MONDO:0015356.
Microcephaly, normal intelligence and immunodeficiency (NBS). Also called: IMMUNODEFICIENCY, MICROCEPHALY, AND CHROMOSOMAL INSTABILITY; SEEMANOVA SYNDROME II; Nijmegen breakage syndrome; Microcephaly with normal intelligence immunodeficiency and lymphoreticular malignancies; Nonsyndromal microcephaly autosomal recessive with normal intelligence; Seemanova syndrome 2. Identifiers: Orphanet 647, MedGen C0398791, MONDO:0009623, OMIM 251260.

Allele frequency attached by ClinVar (database versions not stated): gnomAD exomes 0.00001.
gnomAD v4.1: 5 of 1,613,288 alleles (0.00031%); highest among the groups gnomAD compares: Non-Finnish European, 0.00042%; no homozygotes.

Submissions (4):

Women's Health and Genetics/Laboratory Corporation of America, LabCorp
Classification: Uncertain significance. Last evaluated: 2024-06-07. Review status: criteria provided, single submitter. Criteria: LabCorp Variant Classification Summary - May 2015. Collection method: clinical testing. Allele origin: germline.
Comment: Variant summary: NBN c.406G>A (p.Gly136Arg) results in a non-conservative amino acid change located in the BRCT domain (IPR001357) of the encoded protein sequence. Five of five in-silico tools predict a damaging effect of the variant on protein function. The variant was absent in 251280 control chromosomes (gnomAD). The available data on variant occurrences in the general population are insufficient to allow any conclusion about variant significance. c.406G>A has been reported in the literature (Belhadj_2023). These report(s) do not provide unequivocal conclusions about association of the variant with Nijmegen Breakage Syndrome. To our knowledge, no experimental evidence demonstrating an impact on protein function has been reported. The following publication have been ascertained in the context of this evaluation (PMID: 36346689). ClinVar contains an entry for this variant (Variation ID: 461563). Based on the evidence outlined above, the variant was classified as uncertain significance.

Labcorp Genetics (formerly Invitae), Labcorp
Classification: Uncertain significance for Microcephaly, normal intelligence and immunodeficiency. Last evaluated: 2024-04-09. Review status: criteria provided, single submitter. Criteria: Invitae Variant Classification Sherloc (09022015). Collection method: clinical testing. Allele origin: germline.
Comment: This sequence change replaces glycine, which is neutral and non-polar, with arginine, which is basic and polar, at codon 136 of the NBN protein (p.Gly136Arg). This variant is not present in population databases (gnomAD no frequency). This variant has not been reported in the literature in individuals affected with NBN-related conditions. This missense change has been observed to co-occur in individuals with a different variant in NBN that has been determined to be pathogenic (Invitae), but the significance of this finding is unclear. ClinVar contains an entry for this variant (Variation ID: 461563). An algorithm developed to predict the effect of missense changes on protein structure and function (PolyPhen-2) suggests that this variant is likely to be disruptive. RNA analysis performed to evaluate the impact of this missense change on mRNA splicing indicates it does not significantly alter splicing (Invitae). In summary, the available evidence is currently insufficient to determine the role of this variant in disease. Therefore, it has been classified as a Variant of Uncertain Significance.

Ambry Genetics
Classification: Uncertain significance for Hereditary cancer-predisposing syndrome. Last evaluated: 2024-01-31. Review status: criteria provided, single submitter. Criteria: Ambry Variant Classification Scheme 2023. Collection method: clinical testing. Allele origin: germline.
Comment: The p.G136R variant (also known as c.406G>A), located in coding exon 4 of the NBN gene, results from a G to A substitution at nucleotide position 406. The glycine at codon 136 is replaced by arginine, an amino acid with dissimilar properties. This amino acid position is highly conserved in available vertebrate species. In addition, this alteration is predicted to be deleterious by in silico analysis. Since supporting evidence is limited at this time, the clinical significance of this alteration remains unclear.

Genome-Nilou Lab
Classification: Uncertain significance for Microcephaly, normal intelligence and immunodeficiency. Last evaluated: 2021-11-07. Review status: criteria provided, single submitter. Criteria: ACMG Guidelines, 2015. Collection method: clinical testing. Allele origin: germline. Affected: no.

Literature cited by the submitters: PubMed 36346689 (cited by Women's Health and Genetics/Laboratory Corporation of America, LabCorp).